The following is an entry in ClinVar:

NM_014319.5(LEMD3):c.1717G>A (p.Gly573Ser)

Gene: LEMD3 (LEM domain containing 3; plus strand). Cytogenetic location: 12q14.3.
Variant type: single nucleotide variant.
Coding change: c.1717G>A on transcript NM_014319.5 (MANE Select); coding-DNA position 1717, G replaced by A.
Protein change: p.Gly573Ser; replaces glycine 573 with serine.
Molecular consequence: missense variant.
Genome position (GRCh38, 1-based): chr12:65,238,523, G>A. VCF-style: chr12-65238523-G-A. GRCh37 (hg19) VCF-style: chr12-65632303-G-A.
Other names: c.1714G>A, p.Gly572Ser (NM_001167614.2); short protein forms G573S, G572S.
Identifiers: ClinVar variation 4743707 (VCV004743707.1).

ClinVar aggregate classification (germline): Uncertain significance (1 of 4 stars; one submission).

Submission:

Labcorp Genetics (formerly Invitae), Labcorp
Classification: Uncertain significance. Last evaluated: 2025-07-08. Review status: criteria provided, single submitter. Criteria: Invitae Variant Classification Sherloc (09022015). Collection method: clinical testing. Allele origin: germline.
Comment: This sequence change replaces glycine, which is neutral and non-polar, with serine, which is neutral and polar, at codon 573 of the LEMD3 protein (p.Gly573Ser). This variant is not present in population databases (gnomAD no frequency). This variant has not been reported in the literature in individuals affected with LEMD3-related conditions. Invitae Evidence Modeling of protein sequence and biophysical properties (such as structural, functional, and spatial information, amino acid conservation, physicochemical variation, residue mobility, and thermodynamic stability) indicates that this missense variant is not expected to disrupt LEMD3 protein function with a negative predictive value of 80%. In summary, the available evidence is currently insufficient to determine the role of this variant in disease. Therefore, it has been classified as a Variant of Uncertain Significance.